The following is an entry in ClinVar:

ClinVar aggregate classification (germline): Uncertain significance (1 of 4 stars; one submission).

gnomAD v4.1: 10 of 1,614,214 alleles (0.00062%); highest among the groups gnomAD compares: Non-Finnish European, 0.00085%; no homozygotes.

Submission:

Labcorp Genetics (formerly Invitae), Labcorp
Classification: Uncertain significance. Last evaluated: 2024-05-16. Review status: criteria provided, single submitter. Criteria: Invitae Variant Classification Sherloc (09022015). Collection method: clinical testing. Allele origin: germline.
Comment: This sequence change replaces phenylalanine, which is neutral and non-polar, with leucine, which is neutral and non-polar, at codon 82 of the ITGB3 protein (p.Phe82Leu). This variant is not present in population databases (gnomAD no frequency). This variant has not been reported in the literature in individuals affected with ITGB3-related conditions. Advanced modeling of protein sequence and biophysical properties (such as structural, functional, and spatial information, amino acid conservation, physicochemical variation, residue mobility, and thermodynamic stability) performed at Invitae indicates that this missense variant is not expected to disrupt ITGB3 protein function with a negative predictive value of 80%. In summary, the available evidence is currently insufficient to determine the role of this variant in disease. Therefore, it has been classified as a Variant of Uncertain Significance.

NM_000212.3(ITGB3):c.246C>A (p.Phe82Leu)

Gene: ITGB3 (integrin subunit beta 3; plus strand). Cytogenetic location: 17q21.32.
Variant type: single nucleotide variant.
Coding change: c.246C>A on transcript NM_000212.3 (MANE Select); coding-DNA position 246, C replaced by A.
Protein change: p.Phe82Leu; replaces phenylalanine 82 with leucine.
Molecular consequence: missense variant.
Genome position (GRCh38, 1-based): chr17:47,283,434, C>A. VCF-style: chr17-47283434-C-A. GRCh37 (hg19) VCF-style: chr17-45360800-C-A.
Other names: short protein forms F82L.
Identifiers: ClinVar variation 3709457 (VCV003709457.2).